The following is an entry in ClinVar:

NM_005228.5(EGFR):c.2282A>G (p.Asp761Gly)

Gene: EGFR (epidermal growth factor receptor; plus strand). Cytogenetic location: 7p11.2.
Variant type: single nucleotide variant.
Coding change: c.2282A>G on transcript NM_005228.5 (MANE Select); coding-DNA position 2282, A replaced by G.
Protein change: p.Asp761Gly; replaces aspartic acid 761 with glycine.
Molecular consequence: missense variant.
Genome position (GRCh38, 1-based): chr7:55,174,819, A>G. VCF-style: chr7-55174819-A-G. GRCh37 (hg19) VCF-style: chr7-55242512-A-G.
Other names: c.2147A>G, p.Asp716Gly (NM_001346897.2, NM_001346899.2); c.2282A>G, p.Asp761Gly (NM_001346898.2); c.2123A>G, p.Asp708Gly (NM_001346900.2); c.1481A>G, p.Asp494Gly (NM_001346941.2); short protein forms D716G, D494G, D708G, D761G.
Identifiers: ClinVar variation 953452 (VCV000953452.8), dbSNP rs1786528039, ClinGen allele CA367584241.

ClinVar aggregate classification (germline): Uncertain significance. Review status: criteria provided, multiple submitters, no conflicts (2 of 4 stars). 2 submissions from 2 submitters: Uncertain significance (2). Last evaluated 2026-06-22.

Conditions:
EGFR-related lung cancer (EGFR). Identifiers: MedGen CN130014.
Hereditary cancer-predisposing syndrome. Also called: Neoplastic Syndromes, Hereditary; Hereditary Cancer Syndrome; Tumor predisposition; Hereditary neoplastic syndrome. Identifiers: Orphanet 140162, MedGen C0027672, MeSH D009386, MONDO:0015356.

Allele frequency attached by ClinVar (database versions not stated): TOPMed below 0.00001; gnomAD exomes below 0.00001.
gnomAD v4.1: 2 of 1,613,480 alleles (0.00012%); highest among the groups gnomAD compares: Non-Finnish European, 0.00017%; no homozygotes.

Submissions (2):

Ambry Genetics
Classification: Uncertain significance for Hereditary cancer-predisposing syndrome. Last evaluated: 2026-06-22. Review status: criteria provided, single submitter. Criteria: Ambry Variant Classification Scheme 2023. Collection method: clinical testing. Allele origin: germline.
Comment: The p.D761G variant (also known as c.2282A>G), located in coding exon 19 of the EGFR gene, results from an A to G substitution at nucleotide position 2282. The aspartic acid at codon 761 is replaced by glycine, an amino acid with similar properties. This amino acid position is highly conserved in available vertebrate species. In addition, this alteration is predicted to be deleterious by in silico analysis. Based on the available evidence, the clinical significance of this variant remains unclear.

Labcorp Genetics (formerly Invitae), Labcorp
Classification: Uncertain significance for EGFR-related lung cancer. Last evaluated: 2024-07-03. Review status: criteria provided, single submitter. Criteria: Invitae Variant Classification Sherloc (09022015). Collection method: clinical testing. Allele origin: germline.
Comment: This sequence change replaces aspartic acid, which is acidic and polar, with glycine, which is neutral and non-polar, at codon 761 of the EGFR protein (p.Asp761Gly). This variant is not present in population databases (gnomAD no frequency). This variant has not been reported in the literature in individuals affected with EGFR-related conditions. ClinVar contains an entry for this variant (Variation ID: 953452). An algorithm developed to predict the effect of missense changes on protein structure and function (PolyPhen-2) suggests that this variant is likely to be disruptive. Algorithms developed to predict the effect of sequence changes on RNA splicing suggest that this variant may create or strengthen a splice site. In summary, the available evidence is currently insufficient to determine the role of this variant in disease. Therefore, it has been classified as a Variant of Uncertain Significance.